The following is an entry in ClinVar:

NM_206933.4(USH2A):c.1548del (p.Arg517fs)

Gene: USH2A (usherin; minus strand). Cytogenetic location: 1q41.
Variant type: Deletion.
Coding change: c.1548del on transcript NM_206933.4 (MANE Select); coding-DNA position 1548, one base deleted (G; older notation c.1548delG).
Protein change: p.Arg517fs; shifts the reading frame from arginine 517.
Molecular consequence: frameshift variant.
Genome position (GRCh38, 1-based): chr1:216,323,476, C deleted on the plus strand (G on the coding strand, the reverse complement: USH2A is on the minus strand); the first of 3 consecutive C bases (chr1:216,323,476-216,323,478); deleting any one gives the same sequence. VCF-style (leftmost placement, unchanged base first): chr1-216323475-TC-T. GRCh37 (hg19) VCF-style: chr1-216496817-TC-T.
Other names: c.1548del, p.Arg517fs (NM_007123.6); short protein forms R517fs.
Identifiers: ClinVar variation 2020008 (VCV002020008.4), dbSNP rs2527433429, ClinGen allele CA2580062213.

ClinVar aggregate classification (germline): Pathogenic (1 of 4 stars; one submission).

Submission:

Labcorp Genetics (formerly Invitae), Labcorp
Classification: Pathogenic. Last evaluated: 2022-07-27. Review status: criteria provided, single submitter. Criteria: Invitae Variant Classification Sherloc (09022015). Collection method: clinical testing. Allele origin: germline.
Comment: For these reasons, this variant has been classified as Pathogenic. This variant has not been reported in the literature in individuals affected with USH2A-related conditions. This variant is not present in population databases (gnomAD no frequency). This sequence change creates a premature translational stop signal (p.Arg517Aspfs*74) in the USH2A gene. It is expected to result in an absent or disrupted protein product. Loss-of-function variants in USH2A are known to be pathogenic (PMID: 10729113, 10909849, 20507924, 25649381).

Literature cited by the submitters: PubMed 10729113; PubMed 10909849; PubMed 20507924; PubMed 25649381.